The following is an entry in ClinVar:

ClinVar aggregate classification (germline): Uncertain significance (1 of 4 stars; one submission).

Allele frequency attached by ClinVar (database versions not stated): gnomAD exomes below 0.00001; ExAC 0.00001; gnomAD 0.00001; TOPMed 0.00001.
gnomAD v4.1: 7 of 1,612,018 alleles (0.00043%); highest among the groups gnomAD compares: Non-Finnish European, 0.00059%; no homozygotes.

Submission:

Labcorp Genetics (formerly Invitae), Labcorp
Classification: Uncertain significance. Last evaluated: 2022-06-20. Review status: criteria provided, single submitter. Criteria: Invitae Variant Classification Sherloc (09022015). Collection method: clinical testing. Allele origin: germline.
Comment: This variant is present in population databases (rs760373742, gnomAD 0.0009%). This sequence change replaces proline, which is neutral and non-polar, with alanine, which is neutral and non-polar, at codon 329 of the COL18A1 protein (p.Pro329Ala). This variant has not been reported in the literature in individuals affected with COL18A1-related conditions. Experimental studies and prediction algorithms are not available or were not evaluated, and the functional significance of this variant is currently unknown. In summary, the available evidence is currently insufficient to determine the role of this variant in disease. Therefore, it has been classified as a Variant of Uncertain Significance.

NM_001379500.1(COL18A1):c.985C>G (p.Pro329Ala)

Gene: COL18A1 (collagen type XVIII alpha 1 chain; plus strand). Cytogenetic location: 21q22.3.
Variant type: single nucleotide variant.
Coding change: c.985C>G on transcript NM_001379500.1 (MANE Select); coding-DNA position 985, C replaced by G.
Protein change: p.Pro329Ala; replaces proline 329 with alanine.
Molecular consequence: missense variant.
Genome position (GRCh38, 1-based): chr21:45,477,467, C>G. VCF-style: chr21-45477467-C-G. GRCh37 (hg19) VCF-style: chr21-46897381-C-G.
Other names: c.1525C>G, p.Pro509Ala (NM_030582.4); c.2230C>G, p.Pro744Ala (NM_130444.3); short protein forms P329A, P509A, P744A.
Identifiers: ClinVar variation 1429989 (VCV001429989.5), dbSNP rs760373742, ClinGen allele CA10066036.
Genomic context (GRCh38, chr21:45,477,467, plus strand): 5'-CCAGCTCAGACACTTCCTGGCTCAGATTCTGTCTCCACGTGGGACGGGAGTGTCCGGACC[C>G]CTGGGGGCCGCGTGAAAGAGGTAAGGCCACCTCCCTGTGCTCCTGAACCATTCTGAACCA-3'
Protein context (NP_001366429.1, residues 319-339): VSTWDGSVRT[Pro329Ala]GGRVKEGGLK